The following is an entry in ClinVar:

NM_022489.4(INF2):c.3709del (p.Ser1237fs)

Gene: INF2 (inverted formin 2; plus strand). Cytogenetic location: 14q32.33.
Variant type: Deletion.
Coding change: c.3709del on transcript NM_022489.4 (MANE Select); coding-DNA position 3709, one base deleted (T; older notation c.3709delT).
Protein change: p.Ser1237fs; shifts the reading frame from serine 1237.
Molecular consequence: frameshift variant. On other transcripts: intron variant (1).
Genome position (GRCh38, 1-based): chr14:104,715,298, T deleted; the last of 2 consecutive T bases (chr14:104,715,297-104,715,298); deleting either gives the same sequence. VCF-style (leftmost placement, unchanged base first): chr14-104715296-AT-A. GRCh37 (hg19) VCF-style: chr14-105181633-AT-A.
Other names: c.3709delT, p.Ser1237Leufs (NM_001426863.1, NM_001426864.1); c.3694+442del (NM_001031714.4); short protein forms S1237fs.
Identifiers: ClinVar variation 2951348 (VCV002951348.3), dbSNP rs2541955759, ClinGen allele CA2740097223.

ClinVar aggregate classification (germline): Uncertain significance (1 of 4 stars; one submission).

Conditions:
Charcot-Marie-Tooth disease dominant intermediate E. Also called: CHARCOT-MARIE-TOOTH NEUROPATHY WITH FOCAL SEGMENTAL GLOMERULONEPHRITIS. Identifiers: Orphanet 93114, MedGen C4302667, MONDO:0013758, OMIM 614455.
Focal segmental glomerulosclerosis 5 (FSGS5). Identifiers: Orphanet 656, MedGen C2750475, MONDO:0013191, OMIM 613237.

Submission:

Labcorp Genetics (formerly Invitae), Labcorp
Classification: Uncertain significance for Charcot-Marie-Tooth disease dominant intermediate E; Focal segmental glomerulosclerosis 5. Last evaluated: 2023-08-28. Review status: criteria provided, single submitter. Criteria: Invitae Variant Classification Sherloc (09022015). Collection method: clinical testing. Allele origin: germline.
Comment: This sequence change creates a premature translational stop signal (p.Ser1237Leufs*11) in the INF2 gene. While this is not anticipated to result in nonsense mediated decay, it is expected to disrupt the last 13 amino acid(s) of the INF2 protein. This variant is not present in population databases (gnomAD no frequency). This variant has not been reported in the literature in individuals affected with INF2-related conditions. Experimental studies and prediction algorithms are not available or were not evaluated, and the functional significance of this variant is currently unknown. In summary, the available evidence is currently insufficient to determine the role of this variant in disease. Therefore, it has been classified as a Variant of Uncertain Significance.